The following is an entry in ClinVar:

NM_015909.4(NBAS):c.2004A>C (p.Leu668Phe)

Gene: NBAS (NBAS subunit of NRZ tethering complex; minus strand). Cytogenetic location: 2p24.3.
Variant type: single nucleotide variant.
Coding change: c.2004A>C on transcript NM_015909.4 (MANE Select); coding-DNA position 2004, A replaced by C.
Protein change: p.Leu668Phe; replaces leucine 668 with phenylalanine.
Molecular consequence: missense variant. On other transcripts: non-coding transcript variant (1).
Genome position (GRCh38, 1-based): chr2:15,467,678, T>G on the plus strand (A>C on the coding strand, the complement: NBAS is on the minus strand). VCF-style: chr2-15467678-T-G. GRCh37 (hg19) VCF-style: chr2-15607802-T-G.
Other names: short protein forms L668F.
Identifiers: ClinVar variation 1466630 (VCV001466630.8), dbSNP rs2148572693, ClinGen allele CA345882726.

ClinVar aggregate classification (germline): Uncertain significance (1 of 4 stars; one submission).

gnomAD v4.1: 2 of 1,612,432 alleles (0.00012%); highest among the groups gnomAD compares: South Asian, 0.0011%; no homozygotes.

Submission:

Labcorp Genetics (formerly Invitae), Labcorp
Classification: Uncertain significance. Last evaluated: 2021-06-07. Review status: criteria provided, single submitter. Criteria: Invitae Variant Classification Sherloc (09022015). Collection method: clinical testing. Allele origin: germline.
Comment: This sequence change replaces leucine with phenylalanine at codon 668 of the NBAS protein (p.Leu668Phe). The leucine residue is highly conserved and there is a small physicochemical difference between leucine and phenylalanine. This variant is not present in population databases (ExAC no frequency). This variant has not been reported in the literature in individuals with NBAS-related conditions. Algorithms developed to predict the effect of missense changes on protein structure and function are either unavailable or do not agree on the potential impact of this missense change (SIFT: "Deleterious"; PolyPhen-2: "Possibly Damaging"; Align-GVGD: "Class C15"). In summary, the available evidence is currently insufficient to determine the role of this variant in disease. Therefore, it has been classified as a Variant of Uncertain Significance.